The following is an entry in ClinVar:

NM_014014.5(SNRNP200):c.702T>A (p.Ala234=)

Gene: SNRNP200 (small nuclear ribonucleoprotein U5 subunit 200; minus strand). Cytogenetic location: 2q11.2.
Variant type: single nucleotide variant.
Coding change: c.702T>A on transcript NM_014014.5 (MANE Select); coding-DNA position 702, T replaced by A.
Protein change: p.Ala234=; no amino-acid change (alanine 234 retained).
Molecular consequence: synonymous variant.
Genome position (GRCh38, 1-based): chr2:96,299,356, A>T on the plus strand (T>A on the coding strand, the complement: SNRNP200 is on the minus strand). VCF-style: chr2-96299356-A-T. GRCh37 (hg19) VCF-style: chr2-96965094-A-T.
Identifiers: ClinVar variation 3067720 (VCV003067720.21), dbSNP rs372705086, ClinGen allele CA427507138.

ClinVar aggregate classification (germline): Likely benign (1 of 4 stars; one submission).

gnomAD v4.1: 1 of 1,614,176 alleles (0.000062%); highest among the groups gnomAD compares: Non-Finnish European, 0.000085%; no homozygotes.

Submission:

CeGaT Center for Human Genetics Tuebingen
Classification: Likely benign. Last evaluated: 2024-03-01. Review status: criteria provided, single submitter. Criteria: CeGaT Center For Human Genetics Tuebingen Variant Classification Criteria Version 2. Collection method: clinical testing. Allele origin: germline. Affected: yes. Observed: 1 variant allele.
Comment: SNRNP200: PM2:Supporting, BP4, BP7